The following is an entry in ClinVar:

ClinVar aggregate classification (germline): Benign. Review status: criteria provided, multiple submitters, no conflicts (2 of 4 stars). 13 submissions from 13 submitters: Benign (8). 5 of the submissions do not count toward it. Last evaluated 2026-02-04.

Conditions:
Walker-Warburg congenital muscular dystrophy. Also called: Muscular dystrophy-dystroglycanopathy, type A; Walker-Warburg syndrome. Identifiers: Orphanet 899, MedGen C0265221, MONDO:0000171.

Allele frequency attached by ClinVar (database versions not stated): gnomAD exomes 0.00082; 1000 Genomes Project 30x 0.00874; 1000 Genomes Project 0.00899; gnomAD 0.00920 and 0.01000; ESP Exome Variant Server 0.00984; TOPMed 0.00997.
gnomAD v4.1: 2,633 of 1,607,688 alleles (0.16%); highest among the groups gnomAD compares: African/African-American, 3.2%; 43 homozygotes.

Submissions (13):

Labcorp Genetics (formerly Invitae), Labcorp
Classification: Benign for Walker-Warburg congenital muscular dystrophy. Last evaluated: 2026-02-04. Review status: criteria provided, single submitter. Criteria: Invitae Variant Classification Sherloc (09022015). Collection method: clinical testing. Allele origin: germline.

Molecular Diagnostic Laboratory for Inherited Cardiovascular Disease, Montreal Heart Institute
Classification: Benign. Last evaluated: 2025-04-09. Review status: criteria provided, single submitter. Criteria: ACMG Guidelines, 2015. Collection method: clinical testing. Allele origin: germline. Affected: no.

ARUP Laboratories, Molecular Genetics and Genomics, ARUP Laboratories
Classification: Benign. Last evaluated: 2025-04-08. Review status: criteria provided, single submitter. Criteria: ARUP Molecular Germline Variant Investigation Process 2024. Collection method: clinical testing. Allele origin: germline.

Mayo Clinic Laboratories, Mayo Clinic
Classification: Benign. Last evaluated: 2023-02-03. Review status: criteria provided, single submitter. Criteria: ACMG Guidelines, 2015. Collection method: clinical testing. Allele origin: germline. Observed: 21 variant alleles.
Comment: BS1, BS2, BP4, BP7

Athena Diagnostics
Classification: Benign. Last evaluated: 2018-12-03. Review status: criteria provided, single submitter. Criteria: Athena Diagnostics Criteria. Collection method: clinical testing. Allele origin: germline.

GeneDx
Classification: Benign. Last evaluated: 2014-03-14. Review status: criteria provided, single submitter. Criteria: GeneDx Variant Classification (06012015). Collection method: clinical testing. Allele origin: germline. Affected: yes.
Comment: This variant is considered likely benign or benign based on one or more of the following criteria: it is a conservative change, it occurs at a poorly conserved position in the protein, it is predicted to be benign by multiple in silico algorithms, and/or has population frequency not consistent with disease.

Eurofins Ntd Llc (ga)
Classification: Benign. Last evaluated: 2012-08-31. Review status: criteria provided, single submitter. Criteria: EGL Classification Definitions 2015. Collection method: clinical testing. Allele origin: germline. Observed: 1 variant allele, 1 heterozygote.

PreventionGenetics, part of Exact Sciences
Classification: Benign. Review status: criteria provided, single submitter. Criteria: ACMG Guidelines, 2015. Collection method: clinical testing. Allele origin: germline.

Natera, Inc.
Classification: Benign for Walker-Warburg congenital muscular dystrophy. Last evaluated: 2019-12-04. Review status: no assertion criteria provided. Collection method: clinical testing. Allele origin: germline. Not counted in ClinVar's aggregate classification.

Clinical Genetics DNA and cytogenetics Diagnostics Lab, Erasmus MC, Erasmus Medical Center
Classification: Benign. Review status: no assertion criteria provided. Collection method: clinical testing. Allele origin: germline. Affected: yes. Study: VKGL Data-share Consensus. Not counted in ClinVar's aggregate classification.

Genetic Services Laboratory, University of Chicago
Classification: Likely benign for AllHighlyPenetrant. Review status: no assertion criteria provided. Collection method: clinical testing. Allele origin: germline. Inheritance: Autosomal recessive inheritance. Not counted in ClinVar's aggregate classification.
Comment: Likely benign based on allele frequency in 1000 Genomes Project or ESP global frequency and its presence in a patient with a rare or unrelated disease phenotype. NOT Sanger confirmed.

Genome Diagnostics Laboratory, University Medical Center Utrecht
Classification: Benign. Review status: no assertion criteria provided. Collection method: clinical testing. Allele origin: germline. Affected: yes. Study: VKGL Data-share Consensus. Not counted in ClinVar's aggregate classification.

Laboratory of Diagnostic Genome Analysis, Leiden University Medical Center (LUMC)
Classification: Likely benign. Review status: no assertion criteria provided. Collection method: clinical testing. Allele origin: germline. Affected: yes. Study: VKGL Data-share Consensus. Not counted in ClinVar's aggregate classification.

NM_001079802.2(FKTN):c.106-10G>A

Gene: FKTN (fukutin; plus strand). Cytogenetic location: 9q31.2.
Variant type: single nucleotide variant.
Coding change: c.106-10G>A on transcript NM_001079802.2 (MANE Select); 10 bases into the intron before coding-DNA position 106, G replaced by A.
Molecular consequence: intron variant.
Genome position (GRCh38, 1-based): chr9:105,596,588, G>A. VCF-style: chr9-105596588-G-A. GRCh37 (hg19) VCF-style: chr9-108358869-G-A.
Other names: p.?; c.106-10G>A (NM_006731.2, NM_001351496.2, NM_001198963.2 and 1 more transcripts); c.-409-10G>A (NM_001351502.2, NM_001351499.2, NM_001351500.2 and 1 more transcripts); c.-62-10G>A (NM_001351497.2).
Identifiers: ClinVar variation 93513 (VCV000093513.46), dbSNP rs148384394, ClinGen allele CA285414.